The following is an entry in ClinVar:

ClinVar aggregate classification (germline): Uncertain significance (1 of 4 stars; one submission).

Conditions:
Inborn genetic diseases. Identifiers: MedGen C0950123, MeSH D030342.

Submission:

Ambry Genetics
Classification: Uncertain significance for Inborn genetic diseases. Last evaluated: 2024-07-28. Review status: criteria provided, single submitter. Criteria: Ambry Variant Classification Scheme 2023. Collection method: clinical testing. Allele origin: germline.
Comment: The p.F329C variant (also known as c.986T>G), located in coding exon 4 of the ATR gene, results from a T to G substitution at nucleotide position 986. The phenylalanine at codon 329 is replaced by cysteine, an amino acid with highly dissimilar properties. This amino acid position is conserved. In addition, the in silico prediction for this alteration is inconclusive. Based on the available evidence, the clinical significance of this variant remains unclear.

NM_001184.4(ATR):c.986T>G (p.Phe329Cys)

Gene: ATR (ATR serine/threonine kinase; minus strand). Cytogenetic location: 3q23.
Variant type: single nucleotide variant.
Coding change: c.986T>G on transcript NM_001184.4 (MANE Select); coding-DNA position 986, T replaced by G.
Protein change: p.Phe329Cys; replaces phenylalanine 329 with cysteine.
Molecular consequence: missense variant.
Genome position (GRCh38, 1-based): chr3:142,562,416, A>C on the plus strand (T>G on the coding strand, the complement: ATR is on the minus strand). VCF-style: chr3-142562416-A-C. GRCh37 (hg19) VCF-style: chr3-142281258-A-C.
Other names: c.986T>G, p.Phe329Cys (NM_001354579.2); short protein forms F329C.
Identifiers: ClinVar variation 3462489 (VCV003462489.1).